The following is an entry in ClinVar:

NM_000059.4(BRCA2):c.4372C>T (p.His1458Tyr)

Gene: BRCA2 (BRCA2 DNA repair associated; plus strand). Cytogenetic location: 13q13.1.
Variant type: single nucleotide variant.
Coding change: c.4372C>T on transcript NM_000059.4 (MANE Select); coding-DNA position 4372, C replaced by T.
Protein change: p.His1458Tyr; replaces histidine 1458 with tyrosine.
Molecular consequence: missense variant.
Genome position (GRCh38, 1-based): chr13:32,338,727, C>T. VCF-style: chr13-32338727-C-T. GRCh37 (hg19) VCF-style: chr13-32912864-C-T.
Other names: 4600C>T; short protein forms H1458Y.
Identifiers: ClinVar variation 51636 (VCV000051636.31), dbSNP rs80358672, ClinGen allele CA020050.

ClinVar aggregate classification (germline): Conflicting classifications of pathogenicity. Review status: criteria provided, conflicting classifications (1 of 4 stars). 12 submissions from 12 submitters: Uncertain significance (6); Likely benign (3). 3 of the submissions do not count toward it. Last evaluated 2026-05-10.

Conditions:
Hereditary cancer-predisposing syndrome. Also called: Neoplastic Syndromes, Hereditary; Hereditary neoplastic syndrome; Hereditary Cancer Syndrome; Tumor predisposition. Identifiers: Orphanet 140162, MedGen C0027672, MeSH D009386, MONDO:0015356.
Hereditary breast ovarian cancer syndrome. Also called: Hereditary breast and/or ovarian cancer syndrome; Hereditary breast and ovarian cancer syndrome (HBOC); Breast and ovarian cancer; Hereditary breast and ovarian cancer syndrome; Hereditary breast and ovarian cancer; BRCA1- and BRCA2-Associated Hereditary Breast and Ovarian Cancer. Identifiers: Orphanet 145, MedGen C0677776, MeSH D061325, MONDO:0003582. Disease mechanism: loss of function.
Breast-ovarian cancer, familial, susceptibility to, 2 (BROVCA2). Also called: BRCA2 Hereditary Breast and Ovarian Cancer. Identifiers: Orphanet 145, MedGen C2675520, MONDO:0012933, OMIM 612555. Disease mechanism: loss of function.
Familial cancer of breast. Also called: Hereditary breast cancer; BREAST CANCER, FAMILIAL; hereditary breast carcinoma. Identifiers: Orphanet 227535, MedGen C0346153, MONDO:0016419, OMIM 114480. Disease mechanism: loss of function.

Allele frequency attached by ClinVar (database versions not stated): ExAC 0.00001; TOPMed 0.00001; gnomAD exomes 0.00002 and 0.00001; gnomAD 0.00001.
gnomAD v4.1: 9 of 1,598,952 alleles (0.00056%); highest among the groups gnomAD compares: East Asian, 0.018%; no homozygotes.

Submissions (12):

Women's Health and Genetics/Laboratory Corporation of America, LabCorp
Classification: Uncertain significance. Last evaluated: 2026-05-10. Review status: criteria provided, single submitter. Criteria: LabCorp Variant Classification Summary - May 2015. Collection method: clinical testing. Allele origin: germline.
Comment: Variant summary: BRCA2 c.4372C>T (p.His1458Tyr) results in a conservative amino acid change in the encoded protein sequence. Algorithms developed to predict the effect of missense changes on protein structure and function all suggest that this variant is likely to be tolerated. The variant allele was found at a frequency of 2.5e-05 in 244556 control chromosomes. The available data on variant occurrences in the general population are insufficient to allow any conclusion about variant significance. c.4372C>T has been observed in individuals affected with Hereditary Breast And Ovarian Cancer Syndrome (Anwar_2016, Guo_2020, Zhang_2022). These report(s) do not provide unequivocal conclusions about association of the variant with Hereditary Breast And Ovarian Cancer Syndrome. At-least one co-occurrence with another pathogenic variant has been reported in the UMD database (BRCA1 c.181T>G, p.Cys61Gly), providing supporting evidence for a benign role. To our knowledge, no experimental evidence demonstrating an impact on protein function has been reported. The following publications have been ascertained in the context of this evaluation (PMID: 27221885, 31837001, 27157322, 35918668). ClinVar contains an entry for this variant (Variation ID: 51636). Based on the evidence outlined above, the variant was classified as uncertain significance.

Labcorp Genetics (formerly Invitae), Labcorp
Classification: Likely benign for Hereditary breast ovarian cancer syndrome. Last evaluated: 2026-02-03. Review status: criteria provided, single submitter. Criteria: Invitae Variant Classification Sherloc (09022015). Collection method: clinical testing. Allele origin: germline.

Hereditary Cancer Laboratory, Hospital Universitario 12 de Octubre
Classification: Uncertain significance for Hereditary cancer-predisposing syndrome. Last evaluated: 2024-03-03. Review status: criteria provided, single submitter. Criteria: ACMG Guidelines, 2015. Collection method: clinical testing. Allele origin: germline.
Comment: PM2+BP4

All of Us Research Program, National Institutes of Health
Classification: Uncertain significance for Breast-ovarian cancer, familial, susceptibility to, 2. Last evaluated: 2023-10-06. Review status: criteria provided, single submitter. Criteria: ACMG Guidelines, 2015. Collection method: clinical testing. Allele origin: germline. Inheritance: Autosomal dominant inheritance. Observed: 1 variant allele, 1 heterozygote.
Comment: This missense variant replaces histidine with tyrosine at codon 1458 of the BRCA2 protein. Computational prediction suggests that this variant may not impact protein structure and function (internally defined REVEL score threshold <= 0.5, PMID: 27666373). To our knowledge, functional studies have not been reported for this variant. This variant has been reported in an individual affected with breast cancer and an individual affected with prostate cancer (PMID: 27221885, 31214711). In a large breast cancer case-control meta analysis conducted by the BRIDGES consortium, this variant was reported in 2/60466 cases and 3/53461 unaffected controls (PMID: 33471991; Leiden Open Variation Database DB-ID BRCA2_001673). This variant has been identified in 7/275926 chromosomes in the general population by the Genome Aggregation Database (gnomAD). The available evidence is insufficient to determine the role of this variant in disease conclusively. Therefore, this variant is classified as a Variant of Uncertain Significance.

This study involves interpretation of variants in research participants for the purpose of population health screening. Participant phenotype was not available at the time of variant classification. Additional details can be found in publication PMID: 35346344, PMCID: PMC8962531

Color Diagnostics, LLC DBA Color Health
Classification: Uncertain significance for Hereditary cancer-predisposing syndrome. Last evaluated: 2023-09-20. Review status: criteria provided, single submitter. Criteria: ACMG Guidelines, 2015. Collection method: clinical testing. Allele origin: germline.
Comment: This missense variant replaces histidine with tyrosine at codon 1458 of the BRCA2 protein. Computational prediction suggests that this variant may not impact protein structure and function (internally defined REVEL score threshold <= 0.5, PMID: 27666373). To our knowledge, functional studies have not been reported for this variant. This variant has been reported in an individual affected with breast cancer and an individual affected with prostate cancer (PMID: 27221885, 31214711). In a large breast cancer case-control meta analysis conducted by the BRIDGES consortium, this variant was reported in 2/60466 cases and 3/53461 unaffected controls (PMID: 33471991; Leiden Open Variation Database DB-ID BRCA2_001673). This variant has been identified in 7/275926 chromosomes in the general population by the Genome Aggregation Database (gnomAD). The available evidence is insufficient to determine the role of this variant in disease conclusively. Therefore, this variant is classified as a Variant of Uncertain Significance.

GeneDx
Classification: Uncertain significance. Last evaluated: 2023-07-03. Review status: criteria provided, single submitter. Criteria: GeneDx Variant Classification Process June 2021. Collection method: clinical testing. Allele origin: germline. Affected: yes.
Comment: Observed in individuals with breast or ovarian cancer (Anwar et al., 2016; Guo et al., 2020; Kim et al., 2020; Zhang et al., 2022); In silico analysis supports that this missense variant does not alter protein structure/function; Also known as 4600C>T; This variant is associated with the following publications: (PMID: 31131967, 31837001, 27221885, 10923033, 31825140, 28062276, 32377563, 31853058, 27157322, 29884841, 35918668, 31907386)

University of Washington Department of Laboratory Medicine, University of Washington
Classification: Likely benign for Hereditary cancer-predisposing syndrome. Last evaluated: 2023-03-23. Review status: criteria provided, single submitter. Criteria: Dines et al. (Genet Med. 2020). Collection method: curation. Allele origin: germline.
Comment: Missense variant in a coldspot region where missense variants are very unlikely to be pathogenic (PMID:31911673).

BRCA2 exon 11 coldspot. Reclassification based on statistical prior probability.

Ambry Genetics
Classification: Likely benign for Hereditary cancer-predisposing syndrome. Last evaluated: 2021-09-21. Review status: criteria provided, single submitter. Criteria: Ambry Variant Classification Scheme 2023. Collection method: clinical testing. Allele origin: germline.

Quest Diagnostics Nichols Institute San Juan Capistrano
Classification: Uncertain significance. Last evaluated: 2020-10-22. Review status: criteria provided, single submitter. Criteria: Quest Diagnostics criteria. Collection method: clinical testing. Allele origin: unknown.

Sharing Clinical Reports Project (SCRP)
Classification: Uncertain significance for Breast-ovarian cancer, familial 2. Last evaluated: 2010-03-18. Review status: no assertion criteria provided. Collection method: clinical testing. Allele origin: germline. Not counted in ClinVar's aggregate classification.

Breast Cancer Information Core (BIC) (BRCA2)
Classification: Uncertain significance for Breast-ovarian cancer, familial 2. Last evaluated: 2003-12-23. Review status: no assertion criteria provided. Collection method: clinical testing. Allele origin: germline. Affected: yes. Observed: 1 variant allele. Not counted in ClinVar's aggregate classification.

Center for Precision Medicine, Meizhou People's Hospital
Classification: Uncertain significance for Familial cancer of breast. Review status: no assertion criteria provided. Collection method: literature only. Allele origin: germline. Affected: yes. Not counted in ClinVar's aggregate classification.

Literature cited by the submitters: PubMed 27157322 (cited by Women's Health and Genetics/Laboratory Corporation of America, LabCorp and Center for Precision Medicine, Meizhou People's Hospital); PubMed 27221885 (cited by 6 submitters); PubMed 31837001 (cited by Women's Health and Genetics/Laboratory Corporation of America, LabCorp and Center for Precision Medicine, Meizhou People's Hospital); PubMed 35918668 (cited by Women's Health and Genetics/Laboratory Corporation of America, LabCorp); PubMed 31214711 (cited by All of Us Research Program, National Institutes of Health and Color Diagnostics, LLC DBA Color Health); PubMed 33471991 (cited by All of Us Research Program, National Institutes of Health and Color Diagnostics, LLC DBA Color Health).